The following is an entry in ClinVar:

NM_015272.5(RPGRIP1L):c.1171C>T (p.Gln391Ter)

Gene: RPGRIP1L (RPGRIP1 like; minus strand). Cytogenetic location: 16q12.2.
Variant type: single nucleotide variant.
Coding change: c.1171C>T on transcript NM_015272.5 (MANE Select); coding-DNA position 1171, C replaced by T.
Protein change: p.Gln391Ter; replaces glutamine 391 with a stop codon.
Molecular consequence: nonsense.
Genome position (GRCh38, 1-based): chr16:53,664,942, G>A on the plus strand (C>T on the coding strand, the complement: RPGRIP1L is on the minus strand). VCF-style: chr16-53664942-G-A. GRCh37 (hg19) VCF-style: chr16-53698854-G-A.
Other names: c.1171C>T, p.Gln391Ter (NM_001127897.4, NM_001308334.3, NM_001330538.2); short protein forms Q391*.
Identifiers: ClinVar variation 1358982 (VCV001358982.7), dbSNP rs2151198563, ClinGen allele CA395921612.

ClinVar aggregate classification (germline): Pathogenic/Likely pathogenic. Review status: criteria provided, multiple submitters, no conflicts (2 of 4 stars). 2 submissions from 2 submitters: Pathogenic (1); Likely pathogenic (1). Last evaluated 2024-05-20.

Conditions:
Meckel syndrome, type 5 (MKS5). Identifiers: Orphanet 564, MedGen C1969052, MONDO:0012695, OMIM 611561.
COACH syndrome 3. Identifiers: MedGen C5436841, MONDO:0030862, OMIM 619113.
Joubert syndrome 7 (JBTS7). Identifiers: Orphanet 220497, MedGen C1969053, MONDO:0012694, OMIM 611560.
Joubert syndrome. Also called: CEREBELLOPARENCHYMAL DISORDER IV; JOUBERT-BOLTSHAUSER SYNDROME; Familial aplasia of the vermis. Identifiers: Orphanet 475, MedGen C5979921, MONDO:0018772.
Meckel-Gruber syndrome. Also called: DYSENCEPHALIA SPLANCHNOCYSTICA; GRUBER SYNDROME; Dysencephalia splachnocystica. Identifiers: Orphanet 564, MedGen C0265215, MONDO:0018921.

Submissions (2):

Fulgent Genetics
Classification: Likely pathogenic for Joubert syndrome 7; Meckel syndrome, type 5; COACH syndrome 3. Last evaluated: 2024-05-20. Review status: criteria provided, single submitter. Criteria: ACMG Guidelines, 2015. Collection method: clinical testing. Allele origin: germline.

Labcorp Genetics (formerly Invitae), Labcorp
Classification: Pathogenic for Joubert syndrome; Meckel-Gruber syndrome. Last evaluated: 2021-09-02. Review status: criteria provided, single submitter. Criteria: Invitae Variant Classification Sherloc (09022015). Collection method: clinical testing. Allele origin: germline.
Comment: This sequence change creates a premature translational stop signal (p.Gln391*) in the RPGRIP1L gene. It is expected to result in an absent or disrupted protein product. Loss-of-function variants in RPGRIP1L are known to be pathogenic (PMID: 17558409). This variant is not present in population databases (ExAC no frequency). This variant has not been reported in the literature in individuals affected with RPGRIP1L-related conditions. For these reasons, this variant has been classified as Pathogenic.

Literature cited by the submitters: PubMed 17558409 (cited by Labcorp Genetics (formerly Invitae), Labcorp).